The following is an entry in ClinVar:

ClinVar aggregate classification (germline): Likely benign. Review status: criteria provided, single submitter (1 of 4 stars). 2 submissions from 2 submitters: Likely benign (1). 1 of the submissions does not count toward it. Last evaluated 2021-09-07.

Conditions:
NEB-related disorder. Also called: NEB-Related Disorders; NEB-related condition.
Nemaline myopathy 2 (NEM2). Also called: Nemaline myopathy 2, autosomal recessive. Identifiers: MedGen C1850569, MONDO:0009725, OMIM 256030.

Allele frequency attached by ClinVar (database versions not stated): TOPMed below 0.00001; gnomAD exomes 0.00002.
gnomAD v4.1: 25 of 1,613,896 alleles (0.0015%); highest among the groups gnomAD compares: Non-Finnish European, 0.002%; no homozygotes.

Submissions (2):

Labcorp Genetics (formerly Invitae), Labcorp
Classification: Likely benign for Nemaline myopathy 2. Last evaluated: 2021-09-07. Review status: criteria provided, single submitter. Criteria: Invitae Variant Classification Sherloc (09022015). Collection method: clinical testing. Allele origin: germline.

PreventionGenetics, part of Exact Sciences
Classification: Likely benign for NEB-related condition. Last evaluated: 2023-09-14. Review status: no assertion criteria provided. Collection method: clinical testing. Allele origin: germline. Not counted in ClinVar's aggregate classification.
Comment: This variant is classified as likely benign based on ACMG/AMP sequence variant interpretation guidelines (Richards et al. 2015 PMID: 25741868, with internal and published modifications).

NM_001164508.2(NEB):c.3702C>T (p.Thr1234=)

Gene: NEB (nebulin; minus strand). Cytogenetic location: 2q23.3.
Variant type: single nucleotide variant.
Coding change: c.3702C>T on transcript NM_001164508.2 (MANE Select); coding-DNA position 3702, C replaced by T.
Protein change: p.Thr1234=; no amino-acid change (threonine 1234 retained).
Molecular consequence: synonymous variant.
Genome position (GRCh38, 1-based): chr2:151,677,637, G>A on the plus strand (C>T on the coding strand, the complement: NEB is on the minus strand). VCF-style: chr2-151677637-G-A. GRCh37 (hg19) VCF-style: chr2-152534151-G-A.
Other names: c.3702C>T, p.Thr1234= (NM_001164507.2, NM_001271208.2, NM_004543.5); c.3702C>T (NM_001271208.1).
Identifiers: ClinVar variation 1637670 (VCV001637670.10), dbSNP rs2099380409, ClinGen allele CA429243464.
Genomic context (GRCh38, chr2:151,677,637, plus strand): 5'-CTTCGTGTTCTGTTTTGCCTGGACCATAACTGGGGAGTCCACAATGCTGGTAAATTTGAG[G>A]GTGTCTGGATGTTGCCTGTACTTCTTTTCATTCAGAGCATCACCGGCCTTTTTAACTTTT-3'
Protein context (NP_001157980.2, residues 1224-1244): NEKKYRQHPD[Thr1234=]LKFTSIVDSP